The following is an entry in ClinVar:

ClinVar aggregate classification (germline): Uncertain significance (1 of 4 stars; one submission).

Allele frequency attached by ClinVar (database versions not stated): TOPMed 0.00002; gnomAD 0.00003; gnomAD exomes 0.00004; ExAC 0.00008; 1000 Genomes Project 0.00060; 1000 Genomes Project 30x 0.00078.
gnomAD v4.1: 56 of 1,614,094 alleles (0.0035%); highest among the groups gnomAD compares: South Asian, 0.026%; no homozygotes.

Submission:

Labcorp Genetics (formerly Invitae), Labcorp
Classification: Uncertain significance. Last evaluated: 2025-04-14. Review status: criteria provided, single submitter. Criteria: Invitae Variant Classification Sherloc (09022015). Collection method: clinical testing. Allele origin: germline.
Comment: This sequence change replaces arginine, which is basic and polar, with cysteine, which is neutral and slightly polar, at codon 71 of the DDX58 protein (p.Arg71Cys). The frequency data for this variant in the population databases is considered unreliable, as metrics indicate poor data quality at this position in the gnomAD database. This variant has not been reported in the literature in individuals affected with DDX58-related conditions. ClinVar contains an entry for this variant (Variation ID: 2175109). An algorithm developed to predict the effect of missense changes on protein structure and function (PolyPhen-2) suggests that this variant is likely to be disruptive. In summary, the available evidence is currently insufficient to determine the role of this variant in disease. Therefore, it has been classified as a Variant of Uncertain Significance.

NM_014314.4(RIGI):c.211C>T (p.Arg71Cys)

Gene: RIGI (RNA sensor RIG-I; minus strand). Cytogenetic location: 9p21.1.
Variant type: single nucleotide variant.
Coding change: c.211C>T on transcript NM_014314.4 (MANE Select); coding-DNA position 211, C replaced by T.
Protein change: p.Arg71Cys; replaces arginine 71 with cysteine.
Molecular consequence: missense variant. On other transcripts: 5 prime UTR variant (3).
Genome position (GRCh38, 1-based): chr9:32,500,835, G>A on the plus strand (C>T on the coding strand, the complement: RIGI is on the minus strand). VCF-style: chr9-32500835-G-A. GRCh37 (hg19) VCF-style: chr9-32500833-G-A.
Other names: c.211C>T, p.Arg71Cys (NM_001385907.1, NM_001385909.1, NM_001385913.1); c.-244C>T (NM_001385910.1, NM_001385914.1); c.-251C>T (NM_001385912.1); short protein forms R71C.
Identifiers: ClinVar variation 2175109 (VCV002175109.4), dbSNP rs199930187, ClinGen allele CA5020150.